The following is an entry in ClinVar:

ClinVar aggregate classification (germline): Uncertain significance (1 of 4 stars; one submission).

Allele frequency attached by ClinVar (database versions not stated): gnomAD exomes below 0.00001.
gnomAD v4.1: 1 of 1,593,688 alleles (0.000063%); highest among the groups gnomAD compares: African/African-American, 0.0013%; no homozygotes.

Submission:

Labcorp Genetics (formerly Invitae), Labcorp
Classification: Uncertain significance. Last evaluated: 2022-11-18. Review status: criteria provided, single submitter. Criteria: Invitae Variant Classification Sherloc (09022015). Collection method: clinical testing. Allele origin: germline.
Comment: In summary, the available evidence is currently insufficient to determine the role of this variant in disease. Therefore, it has been classified as a Variant of Uncertain Significance. Algorithms developed to predict the effect of missense changes on protein structure and function are either unavailable or do not agree on the potential impact of this missense change (SIFT: "Not Available"; PolyPhen-2: "Benign"; Align-GVGD: "Not Available"). This variant has not been reported in the literature in individuals affected with IFT88-related conditions. This variant is not present in population databases (gnomAD no frequency). This sequence change replaces methionine, which is neutral and non-polar, with isoleucine, which is neutral and non-polar, at codon 237 of the IFT88 protein (p.Met237Ile).

NM_006531.5(IFT88):c.684G>A (p.Met228Ile)

Gene: IFT88 (intraflagellar transport 88; plus strand). Cytogenetic location: 13q12.11.
Variant type: single nucleotide variant.
Coding change: c.684G>A on transcript NM_006531.5 (MANE Select); coding-DNA position 684, G replaced by A.
Protein change: p.Met228Ile; replaces methionine 228 with isoleucine.
Molecular consequence: missense variant. On other transcripts: non-coding transcript variant (5).
Genome position (GRCh38, 1-based): chr13:20,598,740, G>A. VCF-style: chr13-20598740-G-A. GRCh37 (hg19) VCF-style: chr13-21172879-G-A.
Other names: c.627G>A, p.Met209Ile (NM_001318491.2, NM_001353573.2, NM_001353574.2 and 1 more transcripts); c.711G>A, p.Met237Ile (NM_001318493.2, NM_001353565.2, NM_001353566.2 and 6 more transcripts); c.684G>A, p.Met228Ile (NM_001353568.2, NM_001353571.2, NM_001353572.2 and 1 more transcripts); c.51G>A, p.Met17Ile (NM_001353579.2); short protein forms M209I, M228I, M17I, M237I.
Identifiers: ClinVar variation 2776668 (VCV002776668.3), dbSNP rs2548132461, ClinGen allele CA387473123.
Genomic context (GRCh38, chr13:20,598,740, plus strand): 5'-AGTTAATGAAATGTATGCCGAAGCACTTAACACTTATCAAGTTATAGTCAAAAATAAGAT[G>A]TTTAGCAATGCAGGTAAGTGTACATAATCAGTTTTTCCAATAGATGTAATTCTTTCGTAG-3'
Protein context (NP_006522.2, residues 218-238): NTYQVIVKNK[Met228Ile]FSNAGILKMN